The following is an entry in ClinVar:

ClinVar aggregate classification (germline): Pathogenic (1 of 4 stars; one submission).

Conditions:
Glycogen storage disease type III (GSD3). Also called: FORBES DISEASE; Cori disease. Identifiers: Orphanet 366, MedGen C0017922, MONDO:0009291, OMIM 232400.

Submission:

Labcorp Genetics (formerly Invitae), Labcorp
Classification: Pathogenic for Glycogen storage disease type III. Last evaluated: 2023-08-28. Review status: criteria provided, single submitter. Criteria: Invitae Variant Classification Sherloc (09022015). Collection method: clinical testing. Allele origin: germline.
Comment: This variant is a gross deletion of the genomic region encompassing exon(s) 2 of the AGL gene, which includes the initiator codon. This deletion extends beyond the assayed region for this gene and therefore may encompass additional genes. It is expected to result in an absent or disrupted protein product. Loss-of-function variants in AGL are known to be pathogenic (PMID: 19299494). This variant has not been reported in the literature in individuals affected with AGL-related conditions. For these reasons, this variant has been classified as Pathogenic.

Literature cited by the submitters: PubMed 19299494.

NC_000001.10:g.(?_100316599)_(100316700_?)del

Gene: AGL (amylo-alpha-1,6-glucosidase and 4-alpha-glucanotransferase; plus strand). Cytogenetic location: 1p21.2.
Variant type: Deletion.
Identifiers: ClinVar variation 1455142 (VCV001455142.5).